The following is an entry in ClinVar:

NM_001127222.2(CACNA1A):c.3302C>T (p.Thr1101Ile)

Gene: CACNA1A (calcium voltage-gated channel subunit alpha1 A; minus strand). Cytogenetic location: 19p13.13.
Variant type: single nucleotide variant.
Coding change: c.3302C>T on transcript NM_001127222.2 (MANE Select); coding-DNA position 3302, C replaced by T.
Protein change: p.Thr1101Ile; replaces threonine 1101 with isoleucine.
Molecular consequence: missense variant.
Genome position (GRCh38, 1-based): chr19:13,286,754, G>A on the plus strand (C>T on the coding strand, the complement: CACNA1A is on the minus strand). VCF-style: chr19-13286754-G-A. GRCh37 (hg19) VCF-style: chr19-13397568-G-A.
Other names: c.3314C>T, p.Thr1105Ile (NM_000068.4, NM_023035.3); c.3305C>T, p.Thr1102Ile (NM_001127221.2, NM_001174080.2); c.3305C>T (NM_001127221.1); short protein forms T1101I, T1105I, T1102I.
Identifiers: ClinVar variation 804604 (VCV000804604.12), dbSNP rs768567834, ClinGen allele CA9240367.
Genomic context (GRCh38, chr19:13,286,754, plus strand): 5'-CTGGCGGCGTTCTGGGGGTTGGTGGCCATGGCAGGGATGGCCAGCATGGGGCCGGGGTCG[G>A]TGCTGTTTCCCATCTTGGCTGGGCTCTGGGGCAGGCCGGCGTGGCCAAGGCTGCCGTGGG-3'
Protein context (NP_001120694.1, residues 1091-1111): PQSPAKMGNS[Thr1101Ile]DPGPMLAIPA

ClinVar aggregate classification (germline): Conflicting classifications of pathogenicity. Review status: criteria provided, conflicting classifications (1 of 4 stars). 4 submissions from 4 submitters: Uncertain significance (3); Benign (1). Last evaluated 2025-12-08.

Conditions:
Episodic ataxia type 2 (EA2). Also called: EPISODIC ATAXIA, NYSTAGMUS-ASSOCIATED; ATAXIA, EPISODIC, WITH NYSTAGMUS; ATAXIA, FAMILIAL PAROXYSMAL; CEREBELLAR ATAXIA, PAROXYSMAL, ACETAZOLAMIDE-RESPONSIVE; CEREBELLOPATHY, HEREDITARY PAROXYSMAL; ACETAZOLAMIDE-RESPONSIVE HEREDITARY PAROXYSMAL CEREBELLAR ATAXIA. Identifiers: Orphanet 97, MedGen C1720416, MONDO:0007163, OMIM 108500.
Developmental and epileptic encephalopathy, 42 (DEE42A). Also called: Epileptic encephalopathy, early infantile, 42; DEVELOPMENTAL AND EPILEPTIC ENCEPHALOPATHY 42A; EPILEPTIC ENCEPHALOPATHY, EARLY INFANTILE, 42A. Identifiers: MedGen C4310716, MONDO:0014917, OMIM 617106.

Allele frequency attached by ClinVar (database versions not stated): gnomAD exomes below 0.00001 and 0.00001; ExAC 0.00001.
gnomAD v4.1: 21 of 1,610,226 alleles (0.0013%); highest among the groups gnomAD compares: Non-Finnish European, 0.0017%; no homozygotes.

Submissions (4):

Labcorp Genetics (formerly Invitae), Labcorp
Classification: Benign for Developmental and epileptic encephalopathy, 42; Episodic ataxia type 2. Last evaluated: 2025-12-08. Review status: criteria provided, single submitter. Criteria: Invitae Variant Classification Sherloc (09022015). Collection method: clinical testing. Allele origin: germline.

GeneDx
Classification: Uncertain significance. Last evaluated: 2024-11-20. Review status: criteria provided, single submitter. Criteria: GeneDx Variant Classification Process June 2021. Collection method: clinical testing. Allele origin: germline. Affected: yes.
Comment: Not observed at significant frequency in large population cohorts (gnomAD); In silico analysis indicates that this missense variant does not alter protein structure/function; Has not been previously published as pathogenic or benign to our knowledge

Baylor Genetics
Classification: Uncertain significance for Episodic ataxia type 2. Last evaluated: 2023-08-03. Review status: criteria provided, single submitter. Criteria: ACMG Guidelines, 2015. Collection method: clinical testing. Allele origin: unknown.

Athena Diagnostics
Classification: Uncertain significance. Last evaluated: 2019-07-15. Review status: criteria provided, single submitter. Criteria: Athena Diagnostics Criteria. Collection method: clinical testing. Allele origin: germline.